The following is an entry in ClinVar:

ClinVar aggregate classification (germline): Uncertain significance (1 of 4 stars; one submission).

Conditions:
Cutis laxa, autosomal recessive, type 1B (ARCL1B). Also called: CUTIS LAXA, AUTOSOMAL RECESSIVE, TYPE IB; EFEMP2-Related Cutis Laxa. Identifiers: Orphanet 90349, MedGen C3280798, MONDO:0013754, OMIM 614437. Disease mechanism: loss of function.

Submission:

Victorian Clinical Genetics Services, Murdoch Childrens Research Institute
Classification: Uncertain significance for Cutis laxa, autosomal recessive, type 1B. Last evaluated: 2022-06-24. Review status: criteria provided, single submitter. Criteria: ACMG Guidelines, 2015. Collection method: clinical testing. Allele origin: germline. Inheritance: Autosomal recessive inheritance. Affected: yes.
Comment: Based on the classification scheme VCGS_Germline_v1.3.4, this variant is classified as VUS-3A. Following criteria are met: 0102 - Loss of function is a known mechanism of disease in this gene and is associated with cutis laxa, autosomal recessive, type IB (MIM#614437). (I) 0106 - This gene is associated with autosomal recessive disease. (I) 0213 - In-frame insertion/deletion in a non-repetitive region that has high conservation. (SP) 0251 - This variant is heterozygous. (I) 0304 - Variant is present in gnomAD <0.01 for a recessive condition (v3: 1 heterozygote, 0 homozygotes). (SP) 0600 - Variant is located in the annotated Complement Clr-like EGF-like domain (DECIPHER). (I) 0705 - No comparable in-frame deletion variants have previous evidence for pathogenicity. (I) 0807 - This variant has no previous evidence of pathogenicity. (I) 0905 - No published segregation evidence has been identified for this variant. (I) 1007 - No published functional evidence has been identified for this variant. (I) Legend: (SP) - Supporting pathogenic, (I) - Information, (SB) - Supporting benign

NM_016938.5(EFEMP2):c.732TGA[1] (p.Asp245del)

Gene: EFEMP2 (EGF-like fibulin extracellular matrix protein 2; minus strand). Cytogenetic location: 11q13.1.
Variant type: Microsatellite.
Coding change: c.732TGA[1] on transcript NM_016938.5 (MANE Select); one copy of the 3-base unit TGA starting at c.732; the reference has two copies in a row; one copy, 3 bases deleted.
Protein change: p.Asp245del; deletes aspartic acid 245.
Molecular consequence: inframe deletion. On other transcripts: non-coding transcript variant (1).
Genome position (GRCh38, 1-based): chr11:65,868,620-65,868,622, TCA deleted on the plus strand (TGA on the coding strand, the reverse complement: EFEMP2 is on the minus strand); deleting any 3 consecutive bases within chr11:65,868,620-65,868,625 gives the same sequence; the position shown is the placement nearest the transcript's 3' end. VCF-style (leftmost placement, unchanged base first): chr11-65868619-CTCA-C. GRCh37 (hg19) VCF-style: chr11-65636090-CTCA-C.
Other names: short protein forms D245del.
Identifiers: ClinVar variation 1805442 (VCV001805442.1), dbSNP rs753199874, ClinGen allele CA6110534.